The following is an entry in ClinVar:

ClinVar aggregate classification (germline): Uncertain significance. Review status: criteria provided, multiple submitters, no conflicts (2 of 4 stars). 2 submissions from 2 submitters: Uncertain significance (2). Last evaluated 2024-01-19.

Conditions:
Autosomal dominant hypocalcemia 1 (HYPOC1). Also called: HYPOCALCEMIA, FAMILIAL. Identifiers: MedGen C3715128, MONDO:0011013, OMIM 601198.
Familial hypocalciuric hypercalcemia (FHH). Also called: Familial benign hypercalcemia. Identifiers: Orphanet 405, MedGen C1809471, MONDO:0018458.
Nephrolithiasis/nephrocalcinosis. Identifiers: MedGen CN580796.

Submissions (2):

Labcorp Genetics (formerly Invitae), Labcorp
Classification: Uncertain significance for Familial hypocalciuric hypercalcemia; Autosomal dominant hypocalcemia 1. Last evaluated: 2024-01-19. Review status: criteria provided, single submitter. Criteria: Invitae Variant Classification Sherloc (09022015). Collection method: clinical testing. Allele origin: germline.
Comment: This sequence change replaces phenylalanine, which is neutral and non-polar, with leucine, which is neutral and non-polar, at codon 733 of the CASR protein (p.Phe733Leu). This variant is not present in population databases (gnomAD no frequency). This variant has not been reported in the literature in individuals affected with CASR-related conditions. ClinVar contains an entry for this variant (Variation ID: 653820). An algorithm developed to predict the effect of missense changes on protein structure and function (PolyPhen-2) suggests that this variant is likely to be tolerated. In summary, the available evidence is currently insufficient to determine the role of this variant in disease. Therefore, it has been classified as a Variant of Uncertain Significance.

Ambry Genetics
Classification: Uncertain significance for Nephrolithiasis/nephrocalcinosis. Last evaluated: 2022-06-27. Review status: criteria provided, single submitter. Criteria: Ambry Variant Classification Scheme 2023. Collection method: clinical testing. Allele origin: germline.
Comment: The p.F733L variant (also known as c.2199C>A), located in coding exon 6 of the CASR gene, results from a C to A substitution at nucleotide position 2199. The phenylalanine at codon 733 is replaced by leucine, an amino acid with highly similar properties. This amino acid position is conserved. In addition, this alteration is predicted to be tolerated by in silico analysis. Since supporting evidence is limited at this time, the clinical significance of this alteration remains unclear.

NM_000388.4(CASR):c.2199C>A (p.Phe733Leu)

Gene: CASR (calcium sensing receptor; plus strand). Cytogenetic location: 3q21.1.
Variant type: single nucleotide variant.
Coding change: c.2199C>A on transcript NM_000388.4 (MANE Select); coding-DNA position 2199, C replaced by A.
Protein change: p.Phe733Leu; replaces phenylalanine 733 with leucine.
Molecular consequence: missense variant.
Genome position (GRCh38, 1-based): chr3:122,284,153, C>A. VCF-style: chr3-122284153-C-A. GRCh37 (hg19) VCF-style: chr3-122003000-C-A.
Other names: c.2229C>A, p.Phe743Leu (NM_001178065.2); short protein forms F733L, F743L.
Identifiers: ClinVar variation 653820 (VCV000653820.11), dbSNP rs1576877611, ClinGen allele CA354158995.